The following is an entry in ClinVar:

NM_000553.6(WRN):c.3138+7G>A

Gene: WRN (WRN RecQ like helicase; plus strand). Cytogenetic location: 8p12.
Variant type: single nucleotide variant.
Coding change: c.3138+7G>A on transcript NM_000553.6 (MANE Select); 7 bases into the intron after coding-DNA position 3138, G replaced by A.
Molecular consequence: intron variant.
Genome position (GRCh38, 1-based): chr8:31,141,607, G>A. VCF-style: chr8-31141607-G-A. GRCh37 (hg19) VCF-style: chr8-30999123-G-A.
Other names: p.?.
Identifiers: ClinVar variation 130755 (VCV000130755.30), dbSNP rs2737335, ClinGen allele CA156010.

ClinVar aggregate classification (germline): Benign. Review status: criteria provided, multiple submitters, no conflicts (2 of 4 stars). 12 submissions from 11 submitters: Benign (9). 3 of the submissions do not count toward it. Last evaluated 2026-02-04.

Conditions:
Wiskott-Aldrich syndrome (WAS). Also called: Wiskott-aldrich syndrome, somatic; WISKOTT-ALDRICH SYNDROME 1; ALDRICH SYNDROME; IMMUNODEFICIENCY 2. Identifiers: Orphanet 906, MedGen C0043194, MONDO:0010518, OMIM 301000.
Werner syndrome (WRN). Identifiers: Orphanet 902, MedGen C0043119, MONDO:0010196, OMIM 277700.

Allele frequency attached by ClinVar (database versions not stated): 1000 Genomes Project 0.49481; 1000 Genomes Project 30x 0.49875; ExAC 0.44790; gnomAD exomes 0.45384; gnomAD 0.46167 and 0.46283; ESP Exome Variant Server 0.46602; TOPMed 0.48037.
gnomAD v4.1: 724,603 of 1,613,658 alleles (45%); highest among the groups gnomAD compares: East Asian, 61%; 165,330 homozygotes.

Submissions (12):

Labcorp Genetics (formerly Invitae), Labcorp
Classification: Benign for Werner syndrome. Last evaluated: 2026-02-04. Review status: criteria provided, single submitter. Criteria: Invitae Variant Classification Sherloc (09022015). Collection method: clinical testing. Allele origin: germline.

KCCC/NGS Laboratory, Kuwait Cancer Control Center
Classification: Benign for Werner syndrome. Last evaluated: 2025-02-01. Review status: criteria provided, single submitter. Criteria: ACMG Guidelines, 2015. Collection method: clinical testing. Allele origin: germline. Affected: no.

Blueprint Genetics
Classification: Benign. Last evaluated: 2024-11-27. Review status: criteria provided, single submitter. Criteria: ACMG Guidelines, 2015. Collection method: clinical testing. Allele origin: germline.

KCCC/NGS Laboratory, Kuwait Cancer Control Center
Classification: Benign for Wiskott-Aldrich syndrome. Last evaluated: 2023-07-07. Review status: criteria provided, single submitter. Criteria: ACMG Guidelines, 2015. Collection method: clinical testing. Allele origin: germline. Affected: yes.

Mayo Clinic Laboratories, Mayo Clinic
Classification: Benign. Last evaluated: 2022-03-18. Review status: criteria provided, single submitter. Criteria: ACMG Guidelines, 2015. Collection method: clinical testing. Allele origin: germline. Observed: 271 variant alleles.

Genome-Nilou Lab
Classification: Benign for Werner syndrome. Last evaluated: 2021-12-05. Review status: criteria provided, single submitter. Criteria: ACMG Guidelines, 2015. Collection method: clinical testing. Allele origin: germline. Affected: no.

GeneDx
Classification: Benign. Last evaluated: 2018-06-29. Review status: criteria provided, single submitter. Criteria: GeneDx Variant Classification Process June 2021. Collection method: clinical testing. Allele origin: germline. Affected: yes.

Breakthrough Genomics
Classification: Benign. Review status: criteria provided, single submitter. Criteria: ACMG Guidelines, 2015. Collection method: not provided. Allele origin: germline. Inheritance: Autosomal recessive inheritance. Affected: yes.

PreventionGenetics, part of Exact Sciences
Classification: Benign. Review status: criteria provided, single submitter. Criteria: ACMG Guidelines, 2015. Collection method: clinical testing. Allele origin: germline.

Diagnostic Laboratory, Department of Genetics, University Medical Center Groningen
Classification: Benign. Review status: no assertion criteria provided. Collection method: clinical testing. Allele origin: germline. Affected: yes. Study: VKGL Data-share Consensus. Not counted in ClinVar's aggregate classification.

Genetic Services Laboratory, University of Chicago
Classification: Likely benign for AllHighlyPenetrant. Review status: no assertion criteria provided. Collection method: clinical testing. Allele origin: germline. Inheritance: Autosomal recessive inheritance. Not counted in ClinVar's aggregate classification.
Comment: Likely benign based on allele frequency in 1000 Genomes Project or ESP global frequency and its presence in a patient with a rare or unrelated disease phenotype. NOT Sanger confirmed.

Joint Genome Diagnostic Labs from Nijmegen and Maastricht, Radboudumc and MUMC+
Classification: Benign. Review status: no assertion criteria provided. Collection method: clinical testing. Allele origin: germline. Affected: yes. Study: VKGL Data-share Consensus. Not counted in ClinVar's aggregate classification.